The following is an entry in ClinVar:

NM_004304.5(ALK):c.776G>C (p.Arg259Pro)

Gene: ALK (ALK receptor tyrosine kinase; minus strand). Cytogenetic location: 2p23.2.
Variant type: single nucleotide variant.
Coding change: c.776G>C on transcript NM_004304.5 (MANE Select); coding-DNA position 776, G replaced by C.
Protein change: p.Arg259Pro; replaces arginine 259 with proline.
Molecular consequence: missense variant.
Genome position (GRCh38, 1-based): chr2:29,717,589, C>G on the plus strand (G>C on the coding strand, the complement: ALK is on the minus strand). VCF-style: chr2-29717589-C-G. GRCh37 (hg19) VCF-style: chr2-29940455-C-G.
Other names: c.776G>C (NM_004304.4); short protein forms R259P.
Identifiers: ClinVar variation 1024392 (VCV001024392.11), dbSNP rs138686378, ClinGen allele CA1594871.

ClinVar aggregate classification (germline): Conflicting classifications of pathogenicity. Review status: criteria provided, conflicting classifications (1 of 4 stars). 2 submissions from 2 submitters: Uncertain significance (1); Benign (1). Last evaluated 2024-08-20.

Conditions:
Neuroblastoma, susceptibility to, 3. Also called: ALK-Related Neuroblastic Tumor Susceptibility. Identifiers: Orphanet 635, MedGen C2751681, MONDO:0013083, OMIM 613014.
Hereditary cancer-predisposing syndrome. Also called: Hereditary neoplastic syndrome; Neoplastic Syndromes, Hereditary; Tumor predisposition; Hereditary Cancer Syndrome. Identifiers: Orphanet 140162, MedGen C0027672, MeSH D009386, MONDO:0015356.

Allele frequency attached by ClinVar (database versions not stated): TOPMed 0.00001.

Submissions (2):

Ambry Genetics
Classification: Benign for Hereditary cancer-predisposing syndrome. Last evaluated: 2024-08-20. Review status: criteria provided, single submitter. Criteria: Ambry Variant Classification Scheme 2023. Collection method: clinical testing. Allele origin: germline.

Labcorp Genetics (formerly Invitae), Labcorp
Classification: Uncertain significance for Neuroblastoma, susceptibility to, 3. Last evaluated: 2024-07-21. Review status: criteria provided, single submitter. Criteria: Invitae Variant Classification Sherloc (09022015). Collection method: clinical testing. Allele origin: germline.
Comment: This sequence change replaces arginine, which is basic and polar, with proline, which is neutral and non-polar, at codon 259 of the ALK protein (p.Arg259Pro). The frequency data for this variant in the population databases is considered unreliable, as metrics indicate poor data quality at this position in the gnomAD database. This variant has not been reported in the literature in individuals affected with ALK-related conditions. ClinVar contains an entry for this variant (Variation ID: 1024392). An algorithm developed to predict the effect of missense changes on protein structure and function (PolyPhen-2) suggests that this variant is likely to be disruptive. In summary, the available evidence is currently insufficient to determine the role of this variant in disease. Therefore, it has been classified as a Variant of Uncertain Significance.